The following is an entry in ClinVar:

ClinVar aggregate classification (germline): Uncertain significance (1 of 4 stars; one submission).

Conditions:
Ectodermal dysplasia and immunodeficiency 2. Identifiers: Orphanet 238468, Orphanet 98813, MedGen C2677481, MONDO:0012806, OMIM 612132.

Submission:

Labcorp Genetics (formerly Invitae), Labcorp
Classification: Uncertain significance for Ectodermal dysplasia and immunodeficiency 2. Last evaluated: 2025-02-25. Review status: criteria provided, single submitter. Criteria: Invitae Variant Classification Sherloc (09022015). Collection method: clinical testing. Allele origin: germline.
Comment: This sequence change replaces valine, which is neutral and non-polar, with alanine, which is neutral and non-polar, at codon 160 of the NFKBIA protein (p.Val160Ala). This variant is not present in population databases (gnomAD no frequency). This variant has not been reported in the literature in individuals affected with NFKBIA-related conditions. An algorithm developed to predict the effect of missense changes on protein structure and function (PolyPhen-2) suggests that this variant is likely to be disruptive. In summary, the available evidence is currently insufficient to determine the role of this variant in disease. Therefore, it has been classified as a Variant of Uncertain Significance.

NM_020529.3(NFKBIA):c.479T>C (p.Val160Ala)

Gene: NFKBIA (NFKB inhibitor alpha; minus strand). Cytogenetic location: 14q13.2.
Variant type: single nucleotide variant.
Coding change: c.479T>C on transcript NM_020529.3 (MANE Select); coding-DNA position 479, T replaced by C.
Protein change: p.Val160Ala; replaces valine 160 with alanine.
Molecular consequence: missense variant.
Genome position (GRCh38, 1-based): chr14:35,403,218, A>G on the plus strand (T>C on the coding strand, the complement: NFKBIA is on the minus strand). VCF-style: chr14-35403218-A-G. GRCh37 (hg19) VCF-style: chr14-35872424-A-G.
Other names: short protein forms V160A.
Identifiers: ClinVar variation 4767100 (VCV004767100.1).
Genomic context (GRCh38, chr14:35,403,218, plus strand): 5'-TTGGTAGCCTTCAGGATGGAGTGGAGGTGCGGGGTGGTGCAGGACTGAGTCAGGACTCCC[A>G]CGCTGGCCAGGCAGCCCTGCTCACAGGCAAGGTGTAGGGGGGTATTTCCTCGAAAGTCTC-3'
Protein context (NP_065390.1, residues 150-170): LACEQGCLAS[Val160Ala]GVLTQSCTTP